The following is an entry in ClinVar:

NM_000171.4(GLRA1):c.335A>C (p.Asp112Ala)

Gene: GLRA1 (glycine receptor alpha 1; minus strand). Cytogenetic location: 5q33.1.
Variant type: single nucleotide variant.
Coding change: c.335A>C on transcript NM_000171.4 (MANE Select); coding-DNA position 335, A replaced by C.
Protein change: p.Asp112Ala; replaces aspartic acid 112 with alanine.
Molecular consequence: missense variant.
Genome position (GRCh38, 1-based): chr5:151,859,926, T>G on the plus strand (A>C on the coding strand, the complement: GLRA1 is on the minus strand). VCF-style: chr5-151859926-T-G. GRCh37 (hg19) VCF-style: chr5-151239487-T-G.
Other names: c.335A>C, p.Asp112Ala (NM_001146040.2); c.86A>C, p.Asp29Ala (NM_001292000.2); short protein forms D112A, D29A.
Identifiers: ClinVar variation 2831333 (VCV002831333.3), dbSNP rs2479991417, ClinGen allele CA361841834.

ClinVar aggregate classification (germline): Uncertain significance (1 of 4 stars; one submission).

Conditions:
Hereditary hyperekplexia. Identifiers: Orphanet 3197, MedGen C4084968, MONDO:0021022.

Submission:

Labcorp Genetics (formerly Invitae), Labcorp
Classification: Uncertain significance for Hereditary hyperekplexia. Last evaluated: 2024-06-29. Review status: criteria provided, single submitter. Criteria: Invitae Variant Classification Sherloc (09022015). Collection method: clinical testing. Allele origin: germline.
Comment: This sequence change replaces aspartic acid, which is acidic and polar, with alanine, which is neutral and non-polar, at codon 112 of the GLRA1 protein (p.Asp112Ala). This variant is not present in population databases (gnomAD no frequency). This variant has not been reported in the literature in individuals affected with GLRA1-related conditions. Advanced modeling of protein sequence and biophysical properties (such as structural, functional, and spatial information, amino acid conservation, physicochemical variation, residue mobility, and thermodynamic stability) has been performed at Invitae for this missense variant, however the output from this modeling did not meet the statistical confidence thresholds required to predict the impact of this variant on GLRA1 protein function. In summary, the available evidence is currently insufficient to determine the role of this variant in disease. Therefore, it has been classified as a Variant of Uncertain Significance.